The following is an entry in ClinVar:

NM_006258.4(PRKG1):c.619A>G (p.Ile207Val)

Gene: PRKG1 (protein kinase cGMP-dependent 1; plus strand). Cytogenetic location: 10q21.1.
Variant type: single nucleotide variant.
Coding change: c.619A>G on transcript NM_006258.4 (MANE Select); coding-DNA position 619, A replaced by G.
Protein change: p.Ile207Val; replaces isoleucine 207 with valine.
Molecular consequence: missense variant.
Genome position (GRCh38, 1-based): chr10:51,804,611, A>G. VCF-style: chr10-51804611-A-G. GRCh37 (hg19) VCF-style: chr10-53564371-A-G.
Other names: c.574A>G, p.Ile192Val (NM_001098512.3); c.619A>G, p.Ile207Val (NM_001374782.1); short protein forms I192V, I207V.
Identifiers: ClinVar variation 951178 (VCV000951178.14), dbSNP rs1235083176, ClinGen allele CA376530834.
Genomic context (GRCh38, chr10:51,804,611, plus strand): 5'-TTTCCCTGTTTGTTTCTCTTTTATTTTTCTCCAGCTCTTGTAAATGTAAAACTCTGGGCC[A>G]TTGATCGACAATGTTTTCAAACAATAATGATGAGGACAGGACTCATCAAGCATACCGAGT-3'
Protein context (NP_006249.1, residues 197-217): KTLVNVKLWA[Ile207Val]DRQCFQTIMM

ClinVar aggregate classification (germline): Uncertain significance. Review status: criteria provided, multiple submitters, no conflicts (2 of 4 stars). 4 submissions from 4 submitters: Uncertain significance (4). Last evaluated 2026-09-04.

Conditions:
PRKG1-related disorder. Also called: PRKG1-related condition.
Familial thoracic aortic aneurysm and aortic dissection (TAAD). Also called: Thoracic aortic aneurysms and dissections. Identifiers: Orphanet 91387, MedGen C4707243, MONDO:0019625.
Aortic aneurysm, familial thoracic 8 (AAT8). Identifiers: MedGen C3809513, MONDO:0014187, OMIM 615436.

Allele frequency attached by ClinVar (database versions not stated): gnomAD exomes below 0.00001; gnomAD 0.00001; TOPMed 0.00001.
gnomAD v4.1: 9 of 1,601,000 alleles (0.00056%); highest among the groups gnomAD compares: South Asian, 0.0011%; no homozygotes.

Submissions (4):

PreventionGenetics, part of Exact Sciences
Classification: Uncertain significance for PRKG1-related condition. Last evaluated: 2026-09-04. Review status: criteria provided, single submitter. Criteria: ACMG Guidelines, 2015. Collection method: clinical testing. Allele origin: germline.
Comment: The PRKG1 c.619A>G variant is predicted to result in the amino acid substitution p.Ile207Val. To our knowledge, this variant has not been reported in the literature. This variant is reported in 0.00088% of alleles in individuals of European (Non-Finnish) descent in gnomAD. At this time, the clinical significance of this variant is uncertain due to the absence of conclusive functional and genetic evidence.

Labcorp Genetics (formerly Invitae), Labcorp
Classification: Uncertain significance for Aortic aneurysm, familial thoracic 8. Last evaluated: 2025-12-21. Review status: criteria provided, single submitter. Criteria: Invitae Variant Classification Sherloc (09022015). Collection method: clinical testing. Allele origin: germline.
Comment: This sequence change replaces isoleucine, which is neutral and non-polar, with valine, which is neutral and non-polar, at codon 207 of the PRKG1 protein (p.Ile207Val). This variant is present in population databases (no rsID available, gnomAD 0.0009%). This variant has not been reported in the literature in individuals affected with PRKG1-related conditions. ClinVar contains an entry for this variant (Variation ID: 951178). An algorithm developed to predict the effect of missense changes on protein structure and function (PolyPhen-2) suggests that this variant is likely to be tolerated. In summary, the available evidence is currently insufficient to determine the role of this variant in disease. Therefore, it has been classified as a Variant of Uncertain Significance.

Ambry Genetics
Classification: Uncertain significance for Familial thoracic aortic aneurysm and aortic dissection. Last evaluated: 2023-02-17. Review status: criteria provided, single submitter. Criteria: Ambry Variant Classification Scheme 2023. Collection method: clinical testing. Allele origin: germline.
Comment: The p.I207V variant (also known as c.619A>G), located in coding exon 4 of the PRKG1 gene, results from an A to G substitution at nucleotide position 619. The isoleucine at codon 207 is replaced by valine, an amino acid with highly similar properties. This amino acid position is conserved. In addition, the in silico prediction for this alteration is inconclusive. Since supporting evidence is limited at this time, the clinical significance of this alteration remains unclear.

GeneDx
Classification: Uncertain significance. Last evaluated: 2020-03-25. Review status: criteria provided, single submitter. Criteria: GeneDx Variant Classification Process June 2021. Collection method: clinical testing. Allele origin: germline. Affected: yes.
Comment: Has not been previously published as pathogenic or benign to our knowledge; Not observed at a significant frequency in large population cohorts (Lek et al., 2016); In silico analysis, which includes protein predictors and evolutionary conservation, supports that this variant does not alter protein structure/function